The following is an entry in ClinVar:

NM_004100.5(EYA4):c.510G>A (p.Ser170=)

Gene: EYA4 (EYA transcriptional coactivator and phosphatase 4; plus strand). Cytogenetic location: 6q23.2.
Variant type: single nucleotide variant.
Coding change: c.510G>A on transcript NM_004100.5 (MANE Select); coding-DNA position 510, G replaced by A.
Protein change: p.Ser170=; no amino-acid change (serine 170 retained).
Molecular consequence: synonymous variant.
Genome position (GRCh38, 1-based): chr6:133,462,407, G>A. VCF-style: chr6-133462407-G-A. GRCh37 (hg19) VCF-style: chr6-133783545-G-A.
Other names: c.348G>A, p.Ser116= (NM_001301012.2, NM_001370459.1); c.510G>A, p.Ser170= (NM_001301013.2, NM_172105.4); c.441G>A, p.Ser147= (NM_001370458.1, NM_172103.4).
Identifiers: ClinVar variation 2772149 (VCV002772149.3), dbSNP rs768216133, ClinGen allele CA4008084.

ClinVar aggregate classification (germline): Uncertain significance (1 of 4 stars; one submission).

Conditions:
Dilated cardiomyopathy 1J (CMD1J). Also called: CARDIOMYOPATHY, DILATED, WITH SENSORINEURAL HEARING LOSS, AUTOSOMAL DOMINANT. Identifiers: Orphanet 217622, MedGen C1854368, MONDO:0011541, OMIM 605362.

Allele frequency attached by ClinVar (database versions not stated): ExAC 0.00001.

Submission:

Labcorp Genetics (formerly Invitae), Labcorp
Classification: Uncertain significance for Dilated cardiomyopathy 1J. Last evaluated: 2022-11-04. Review status: criteria provided, single submitter. Criteria: Invitae Variant Classification Sherloc (09022015). Collection method: clinical testing. Allele origin: germline.
Comment: In summary, the available evidence is currently insufficient to determine the role of this variant in disease. Therefore, it has been classified as a Variant of Uncertain Significance. Algorithms developed to predict the effect of sequence changes on RNA splicing suggest that this variant may disrupt the consensus splice site. This sequence change affects codon 170 of the EYA4 mRNA. It is a 'silent' change, meaning that it does not change the encoded amino acid sequence of the EYA4 protein. This variant is present in population databases (rs768216133, gnomAD 0.003%). This variant has not been reported in the literature in individuals affected with EYA4-related conditions.